The following is an entry in ClinVar:

NM_153638.4(PANK2):c.9G>T (p.Arg3Ser)

Genes: PANK2-AS1 (PANK2 antisense RNA 1; minus strand), PANK2 (pantothenate kinase 2; plus strand). Cytogenetic location: 20p13.
Variant type: single nucleotide variant.
Coding change: c.9G>T on transcript NM_153638.4; coding-DNA position 9, G replaced by T.
Protein change: p.Arg3Ser; replaces arginine 3 with serine.
Molecular consequence: missense variant. On other transcripts: intron variant (1).
Genome position (GRCh38, 1-based): chr20:3,889,109, G>T. VCF-style: chr20-3889109-G-T. GRCh37 (hg19) VCF-style: chr20-3869756-G-T.
Other names: c.9G>T, p.Arg3Ser (NM_001324192.1); c.-246+205G>T (NM_024960.6); short protein forms R3S.
Identifiers: ClinVar variation 567543 (VCV000567543.11), dbSNP rs1211425299, ClinGen allele CA408138126.

ClinVar aggregate classification (germline): Uncertain significance. Review status: criteria provided, multiple submitters, no conflicts (2 of 4 stars). 3 submissions from 3 submitters: Uncertain significance (3). Last evaluated 2026-06-17.

Conditions:
Inborn genetic diseases. Identifiers: MedGen C0950123, MeSH D030342.
Pigmentary pallidal degeneration (NBIA1). Also called: Neurodegeneration with brain iron accumulation 1; HARP SYNDROME; Pantothenate Kinase-Associated Neurodegeneration; Neuroaxonal dystrophy, late infantile; Hallervorden-Spatz disease; PKAN NEUROAXONAL DYSTROPHY, JUVENILE-ONSET. Identifiers: Orphanet 157850, MedGen C0018523, MONDO:0009319, OMIM 234200.

gnomAD v4.1: 2 of 1,546,630 alleles (0.00013%); no homozygotes.

Submissions (3):

Ambry Genetics
Classification: Uncertain significance for Inborn genetic diseases. Last evaluated: 2026-06-17. Review status: criteria provided, single submitter. Criteria: Ambry Variant Classification Scheme 2023. Collection method: clinical testing. Allele origin: germline.

Blueprint Genetics
Classification: Uncertain significance. Last evaluated: 2024-07-02. Review status: criteria provided, single submitter. Criteria: ACMG Guidelines, 2015. Collection method: clinical testing. Allele origin: germline.

Labcorp Genetics (formerly Invitae), Labcorp
Classification: Uncertain significance for Pigmentary pallidal degeneration. Last evaluated: 2021-08-13. Review status: criteria provided, single submitter. Criteria: Invitae Variant Classification Sherloc (09022015). Collection method: clinical testing. Allele origin: germline.
Comment: This sequence change replaces arginine with serine at codon 3 of the PANK2 protein (p.Arg3Ser). The arginine residue is weakly conserved and there is a moderate physicochemical difference between arginine and serine. The frequency data for this variant in the population databases is considered unreliable, as metrics indicate insufficient coverage at this position in the ExAC database. This missense change has been observed in individual(s) with clinical features of PANK2-related conditions (Invitae). Algorithms developed to predict the effect of missense changes on protein structure and function are either unavailable or do not agree on the potential impact of this missense change (SIFT: "Deleterious"; PolyPhen-2: "Benign"; Align-GVGD: "Class C0"). In summary, the available evidence is currently insufficient to determine the role of this variant in disease. Therefore, it has been classified as a Variant of Uncertain Significance.